The following is an entry in ClinVar:

ClinVar aggregate classification (germline): Uncertain significance (1 of 4 stars; one submission).

Conditions:
Hereditary spastic paraplegia 7 (SPG7). Also called: Spastic paraplegia 7; Hereditary spastic paraplegia Paraplegin type; Autosomal recessive spastic paraplegia type 7; SPASTIC PARAPLEGIA 7, AUTOSOMAL RECESSIVE, WITH OR WITHOUT CEREBELLAR ATAXIA; SPG7-related neurologic disorder. Identifiers: Orphanet 99013, MedGen C1846564, MONDO:0011803, OMIM 607259.

gnomAD v4.1: 7 of 1,597,194 alleles (0.00044%); highest among the groups gnomAD compares: East Asian, 0.0022%; no homozygotes.

Submissions (2):

Labcorp Genetics (formerly Invitae), Labcorp
Classification: Uncertain significance for Hereditary spastic paraplegia 7. Last evaluated: 2025-07-06. Review status: criteria provided, single submitter. Criteria: Invitae Variant Classification Sherloc (09022015). Collection method: clinical testing. Allele origin: germline.
Comment: This sequence change falls in intron 11 of the SPG7 gene. It does not directly change the encoded amino acid sequence of the SPG7 protein. It affects a nucleotide within the consensus splice site. This variant is present in population databases (rs370191166, gnomAD 0.01%). This variant has not been reported in the literature in individuals affected with SPG7-related conditions. Variants that disrupt the consensus splice site are a relatively common cause of aberrant splicing (PMID: 17576681, 9536098). Algorithms developed to predict the effect of sequence changes on RNA splicing suggest that this variant may disrupt the consensus splice site. In summary, the available evidence is currently insufficient to determine the role of this variant in disease. Therefore, it has been classified as a Variant of Uncertain Significance.

Dr. Peter K. Rogan Lab, Western University
No classification provided (evidence only). Condition: Uterine corpus endometrial carcinoma. Review status: no classification provided. Collection method: in vitro. Allele origin: not applicable. Functional consequence: skipped exon, retained intron. Not counted in ClinVar's aggregate classification.

Literature cited by the submitters: PubMed 17576681 (cited by Labcorp Genetics (formerly Invitae), Labcorp); PubMed 9536098 (cited by Labcorp Genetics (formerly Invitae), Labcorp).

NM_003119.4(SPG7):c.1552+5G>A

Gene: SPG7 (SPG7 matrix AAA peptidase subunit, paraplegin; plus strand). Cytogenetic location: 16q24.3.
Variant type: single nucleotide variant.
Coding change: c.1552+5G>A on transcript NM_003119.4 (MANE Select); 5 bases into the intron after coding-DNA position 1552, G replaced by A.
Molecular consequence: intron variant.
Genome position (GRCh38, 1-based): chr16:89,546,765, G>A. VCF-style: chr16-89546765-G-A. GRCh37 (hg19) VCF-style: chr16-89613173-G-A.
Other names: NC_000016.9:g.89613173G>A; c.1552+5G>A (NM_001363850.1).
Identifiers: ClinVar variation 4417083 (VCV004417083.2).
Genomic context (GRCh38, chr16:89,546,765, plus strand): 5'-CCAGTCCAGCACCTTTTACTCCCAGCGTCTGGCAGAGCTGACACCAGGATTCAGTGGTAC[G>A]TTCTCAACCCGCAGCCTGGGCAGCGTCACGTCCTGAGGGCAGGTGGTGTCACCTGCGCAA-3'